The following is an entry in ClinVar:

NM_001267550.2(TTN):c.7639del (p.Thr2547fs)

Gene: TTN (titin; minus strand). Cytogenetic location: 2q31.2.
Variant type: Deletion.
Coding change: c.7639del on transcript NM_001267550.2 (MANE Select); coding-DNA position 7639, one base deleted (A; older notation c.7639delA).
Protein change: p.Thr2547fs; shifts the reading frame from threonine 2547.
Molecular consequence: frameshift variant.
Genome position (GRCh38, 1-based): chr2:178,773,325, T deleted on the plus strand (A on the coding strand, the reverse complement: TTN is on the minus strand); the first of 3 consecutive T bases (chr2:178,773,325-178,773,327); deleting any one gives the same sequence. VCF-style (leftmost placement, unchanged base first): chr2-178773324-GT-G. GRCh37 (hg19) VCF-style: chr2-179638051-GT-G.
Other names: c.7639delA (NM_001267550.2); c.7639del, p.Thr2547fs (NM_001256850.1, NM_133378.4, NM_133379.5); c.7501del, p.Thr2501fs (NM_003319.4, NM_133432.3, NM_133437.4); short protein forms T2547fs, T2501fs.
Identifiers: ClinVar variation 404647 (VCV000404647.7), dbSNP rs1060500400, ClinGen allele CA16610553.

ClinVar aggregate classification (germline): Pathogenic (1 of 4 stars; one submission).

Conditions:
Dilated cardiomyopathy 1G (CMD1G). Identifiers: Orphanet 154, MedGen C1858763, MONDO:0011400, OMIM 604145.
Autosomal recessive limb-girdle muscular dystrophy type 2J (LGMDR10). Also called: Limb-girdle muscular dystrophy, type 2J; MUSCULAR DYSTROPHY, LIMB-GIRDLE, AUTOSOMAL RECESSIVE 10. Identifiers: Orphanet 140922, MedGen C1837342, MONDO:0012127, OMIM 608807.

Submission:

Labcorp Genetics (formerly Invitae), Labcorp
Classification: Pathogenic for Dilated cardiomyopathy 1G; Autosomal recessive limb-girdle muscular dystrophy type 2J. Last evaluated: 2024-11-04. Review status: criteria provided, single submitter. Criteria: Invitae Variant Classification Sherloc (09022015). Collection method: clinical testing. Allele origin: germline.
Comment: This sequence change creates a premature translational stop signal (p.Thr2547Leufs*43) in the TTN gene. While this is not anticipated to result in nonsense mediated decay, it is expected to create a truncated TTN protein. This variant is not present in population databases (gnomAD no frequency). This premature translational stop signal has been observed in individual(s) with clinical features of autosomal recessive centronuclear myopathy (PMID: 29691892). In at least one individual the data is consistent with being in trans (on the opposite chromosome) from a pathogenic variant. ClinVar contains an entry for this variant (Variation ID: 404647). This variant is located in the I band of TTN (PMID: 25589632). Truncating variants in this region have been reported in individuals affected with autosomal recessive centronuclear myopathy (PMID: 23975875, internal data). Truncating variants in this region have also been identified in individuals affected with autosomal dominant dilated cardiomyopathy and/or cardio-related conditions (PMID: 27869827, 32964742, internal data). For these reasons, this variant has been classified as Pathogenic.

Literature cited by the submitters: PubMed 29691892; PubMed 25589632; PubMed 23975875; PubMed 27869827; PubMed 32964742.